The following is an entry in ClinVar:

NM_003620.4(PPM1D):c.928A>G (p.Ile310Val)

Gene: PPM1D (protein phosphatase, Mg2+/Mn2+ dependent 1D; plus strand). Cytogenetic location: 17q23.2.
Variant type: single nucleotide variant.
Coding change: c.928A>G on transcript NM_003620.4 (MANE Select); coding-DNA position 928, A replaced by G.
Protein change: p.Ile310Val; replaces isoleucine 310 with valine.
Molecular consequence: missense variant.
Genome position (GRCh38, 1-based): chr17:60,647,993, A>G. VCF-style: chr17-60647993-A-G. GRCh37 (hg19) VCF-style: chr17-58725354-A-G.
Other names: short protein forms I310V.
Identifiers: ClinVar variation 2915808 (VCV002915808.3), dbSNP rs2143702627, ClinGen allele CA400465551.

ClinVar aggregate classification (germline): Uncertain significance (1 of 4 stars; one submission).

Allele frequency attached by ClinVar (database versions not stated): gnomAD exomes 0.00001.

Submission:

Labcorp Genetics (formerly Invitae), Labcorp
Classification: Uncertain significance. Last evaluated: 2025-09-02. Review status: criteria provided, single submitter. Criteria: Invitae Variant Classification Sherloc (09022015). Collection method: clinical testing. Allele origin: germline.
Comment: This sequence change replaces isoleucine, which is neutral and non-polar, with valine, which is neutral and non-polar, at codon 310 of the PPM1D protein (p.Ile310Val). This variant is not present in population databases (gnomAD no frequency). This variant has not been reported in the literature in individuals affected with PPM1D-related conditions. ClinVar contains an entry for this variant (Variation ID: 2915808). An algorithm developed to predict the effect of missense changes on protein structure and function (PolyPhen-2) suggests that this variant is likely to be disruptive. In summary, the available evidence is currently insufficient to determine the role of this variant in disease. Therefore, it has been classified as a Variant of Uncertain Significance.